The following is an entry in ClinVar:

ClinVar aggregate classification (germline): Uncertain significance. Review status: criteria provided, multiple submitters, no conflicts (2 of 4 stars). 2 submissions from 2 submitters: Uncertain significance (2). Last evaluated 2024-03-11.

Conditions:
Inborn genetic diseases. Identifiers: MedGen C0950123, MeSH D030342.

Allele frequency attached by ClinVar (database versions not stated): ExAC 0.00002; gnomAD exomes 0.00002; TOPMed 0.00002; gnomAD 0.00004.
gnomAD v4.1: 22 of 1,200,535 alleles (0.0018%); highest among the groups gnomAD compares: Non-Finnish European, 0.0025%; no homozygotes.

Submissions (2):

Ambry Genetics
Classification: Uncertain significance for Inborn genetic diseases. Last evaluated: 2024-03-11. Review status: criteria provided, single submitter. Criteria: Ambry Variant Classification Scheme 2023. Collection method: clinical testing. Allele origin: germline.

GeneDx
Classification: Uncertain significance. Last evaluated: 2016-04-15. Review status: criteria provided, single submitter. Criteria: GeneDx Variant Classification (06012015). Collection method: clinical testing. Allele origin: germline. Affected: yes.
Comment: The C718S variant in the CNKSR2 gene has not been reported previously as a pathogenic variant, nor as a benign variant, to our knowledge. The C718S variant was not observed in approximately 6,500 individuals of European and African American ancestry in the NHLBI Exome Sequencing Project, indicating it is not a common benign variant in these populations. The C718S variant is a non-conservative amino acid substitution, which is likely to impact secondary protein structure as these residues differ in polarity, charge, size and/or other properties. This substitution occurs at a position that is conserved in mammals. In silico analysis is inconsistent in its predictions as to whether or not the variant is damaging to the protein structure/function. We interpret C718S as a variant of uncertain significance.

NM_014927.5(CNKSR2):c.2152T>A (p.Cys718Ser)

Gene: CNKSR2 (connector enhancer of kinase suppressor of Ras 2; plus strand). Cytogenetic location: Xp22.12.
Variant type: single nucleotide variant.
Coding change: c.2152T>A on transcript NM_014927.5 (MANE Select); coding-DNA position 2152, T replaced by A.
Protein change: p.Cys718Ser; replaces cysteine 718 with serine.
Molecular consequence: missense variant.
Genome position (GRCh38, 1-based): chrX:21,609,077, T>A. VCF-style: chrX-21609077-T-A. GRCh37 (hg19) VCF-style: chrX-21627195-T-A.
Other names: c.2062T>A, p.Cys688Ser (NM_001168647.3, NM_001330773.2); c.2152T>A, p.Cys718Ser (NM_001168648.3); c.2005T>A, p.Cys669Ser (NM_001168649.3, NM_001330770.2); c.1915T>A, p.Cys639Ser (NM_001330771.2, NM_001330772.2); short protein forms C718S, C688S, C669S, C639S.
Identifiers: ClinVar variation 420980 (VCV000420980.3), dbSNP rs780184046, ClinGen allele CA10366744.
Genomic context (GRCh38, chrX:21,609,077, plus strand): 5'-AATGGAAGTGGTCTGTTATTTTGGCACAGACTAATCAGGGGCTCCTTTCTACAGATGAGT[T>A]GCGCCAGTCCTTATGTGGAAGCAAAACATAGCCGACTTTCCTCCACGGAGACTTCTCAGT-3'
Protein context (NP_055742.2, residues 708-728): DTYPRPPSMS[Cys718Ser]ASPYVEAKHS